The following is an entry in ClinVar:

NM_006231.4(POLE):c.836C>T (p.Thr279Ile)

Gene: POLE (DNA polymerase epsilon, catalytic subunit; minus strand). Cytogenetic location: 12q24.33.
Variant type: single nucleotide variant.
Coding change: c.836C>T on transcript NM_006231.4 (MANE Select); coding-DNA position 836, C replaced by T.
Protein change: p.Thr279Ile; replaces threonine 279 with isoleucine.
Molecular consequence: missense variant.
Genome position (GRCh38, 1-based): chr12:132,676,619, G>A on the plus strand (C>T on the coding strand, the complement: POLE is on the minus strand). VCF-style: chr12-132676619-G-A. GRCh37 (hg19) VCF-style: chr12-133253205-G-A.
Other names: short protein forms T279I.
Identifiers: ClinVar variation 577541 (VCV000577541.15), dbSNP rs753262710, ClinGen allele CA6894161.

ClinVar aggregate classification (germline): Uncertain significance. Review status: criteria provided, multiple submitters, no conflicts (2 of 4 stars). 3 submissions from 3 submitters: Uncertain significance (3). Last evaluated 2025-07-31.

Conditions:
Hereditary cancer-predisposing syndrome. Also called: Tumor predisposition; Hereditary neoplastic syndrome; Hereditary Cancer Syndrome; Neoplastic Syndromes, Hereditary. Identifiers: Orphanet 140162, MedGen C0027672, MeSH D009386, MONDO:0015356.

Allele frequency attached by ClinVar (database versions not stated): gnomAD exomes below 0.00001 and 0.00001; ExAC 0.00001.
gnomAD v4.1: 2 of 1,613,852 alleles (0.00012%); highest among the groups gnomAD compares: East Asian, 0.0022%; no homozygotes.

Submissions (3):

Labcorp Genetics (formerly Invitae), Labcorp
Classification: Uncertain significance. Last evaluated: 2025-07-31. Review status: criteria provided, single submitter. Criteria: Invitae Variant Classification Sherloc (09022015). Collection method: clinical testing. Allele origin: germline.
Comment: This sequence change replaces threonine, which is neutral and polar, with isoleucine, which is neutral and non-polar, at codon 279 of the POLE protein (p.Thr279Ile). This variant is present in population databases (rs753262710, gnomAD 0.003%). This variant has not been reported in the literature in individuals affected with POLE-related conditions. ClinVar contains an entry for this variant (Variation ID: 577541). Invitae Evidence Modeling of protein sequence and biophysical properties (such as structural, functional, and spatial information, amino acid conservation, physicochemical variation, residue mobility, and thermodynamic stability) indicates that this missense variant is expected to disrupt POLE protein function with a positive predictive value of 80%. In summary, the available evidence is currently insufficient to determine the role of this variant in disease. Therefore, it has been classified as a Variant of Uncertain Significance.

Ambry Genetics
Classification: Uncertain significance for Hereditary cancer-predisposing syndrome. Last evaluated: 2024-09-17. Review status: criteria provided, single submitter. Criteria: Ambry Variant Classification Scheme 2023. Collection method: clinical testing. Allele origin: germline.
Comment: The p.T279I variant (also known as c.836C>T), located in coding exon 9 of the POLE gene, results from a C to T substitution at nucleotide position 836. The threonine at codon 279 is replaced by isoleucine, an amino acid with similar properties. This amino acid position is highly conserved in available vertebrate species. In addition, the in silico prediction for this alteration is inconclusive. Based on the available evidence, the clinical significance of this variant remains unclear.

Quest Diagnostics Nichols Institute San Juan Capistrano
Classification: Uncertain significance. Last evaluated: 2023-11-21. Review status: criteria provided, single submitter. Criteria: Quest Diagnostics criteria. Collection method: clinical testing. Allele origin: unknown.
Comment: The POLE c.836C>T (p.Thr279Ile) variant has not been reported in individuals with POLE-related conditions in the published literature. The frequency of this variant in the general population, 0.000008 (2/251448 chromosomes (Genome Aggregation Database)), is uninformative in the assessment of its pathogenicity. Analysis of this variant using bioinformatics tools for the prediction of the effect of amino acid changes on protein structure and function yielded predictions that this variant is damaging. Based on the available information, we are unable to determine the clinical significance of this variant.